The following is an entry in ClinVar:

ClinVar aggregate classification (germline): Pathogenic (1 of 4 stars; one submission).

Conditions:
Osteogenesis imperfecta type I (OI1). Also called: Lobstein's Disease; Lobstein disease; OI, TYPE I; OSTEOGENESIS IMPERFECTA TARDA; OSTEOGENESIS IMPERFECTA WITH BLUE SCLERAE; Osteogenesis imperfecta type 1. Identifiers: Orphanet 216796, Orphanet 666, MedGen C0023931, MONDO:0008146, OMIM 166200. Disease mechanism: loss of function.

Submission:

Clinical Biomedical Laboratory, Shriners Hospital For Children - Canada
Classification: Pathogenic for Osteogenesis imperfecta type I. Review status: criteria provided, single submitter. Criteria: ACMG Guidelines, 2015. Collection method: clinical testing. Allele origin: germline. Affected: yes.
Comment: This variant is predicted to affect a canonical splice site in COL1A1. This variant is expected to disrupt RNA splicing and lead to loss of function of the affected allele. Loss-of-function variants in COL1A1 are associated with osteogenesis imperfecta type I, which corresponds to the clinical diagnosis of the proband. This variant is absent from the Genome Aggregation Database (v2.1.1), indicating it is very rare. Based on the ACMG variant interpretation guidelines (criteria: PVS1, PM2, PP4), the available evidence supports classification of this variant as pathogenic.

NM_000088.4(COL1A1):c.1200+1G>T

Gene: COL1A1 (collagen type I alpha 1 chain; minus strand). Cytogenetic location: 17q21.33.
Variant type: single nucleotide variant.
Coding change: c.1200+1G>T on transcript NM_000088.4 (MANE Select); the canonical splice donor site of the intron after coding-DNA position 1200, G replaced by T.
Molecular consequence: splice donor variant.
Genome position (GRCh38, 1-based): chr17:50,195,433, C>A on the plus strand (G>T on the coding strand, the complement: COL1A1 is on the minus strand). VCF-style: chr17-50195433-C-A. GRCh37 (hg19) VCF-style: chr17-48272794-C-A.
Identifiers: ClinVar variation 4819366 (VCV004819366.1).
Genomic context (GRCh38, chr17:50,195,433, plus strand): 5'-GGAAAGGGGCAGGCAGGCTGCAGGCGGCAGGAGTGGGACTGAAGCCTGGCAGGATACTTA[C>A]ATTGGCACCTTTAGCACCAGGCTGTCCATCAGCACCAGGGTTTCCCTGTGGCACAGAGAA-3'